The following is an entry in ClinVar:

ClinVar aggregate classification (germline): Uncertain significance (1 of 4 stars; one submission).

Submission:

GeneDx
Classification: Uncertain significance. Last evaluated: 2023-11-15. Review status: criteria provided, single submitter. Criteria: GeneDx Variant Classification Process June 2021. Collection method: clinical testing. Allele origin: germline. Affected: yes.
Comment: Not observed at significant frequency in large population cohorts (gnomAD); In silico analysis supports that this missense variant has a deleterious effect on protein structure/function; Has not been previously published as pathogenic or benign to our knowledge

NM_004444.5(EPHB4):c.2314C>T (p.Pro772Ser)

Gene: EPHB4 (EPH receptor B4; minus strand). Cytogenetic location: 7q22.1.
Variant type: single nucleotide variant.
Coding change: c.2314C>T on transcript NM_004444.5 (MANE Select); coding-DNA position 2314, C replaced by T.
Protein change: p.Pro772Ser; replaces proline 772 with serine.
Molecular consequence: missense variant.
Genome position (GRCh38, 1-based): chr7:100,807,385, G>A on the plus strand (C>T on the coding strand, the complement: EPHB4 is on the minus strand). VCF-style: chr7-100807385-G-A. GRCh37 (hg19) VCF-style: chr7-100405007-G-A.
Other names: short protein forms P772S.
Identifiers: ClinVar variation 3363668 (VCV003363668.1).
Genomic context (GRCh38, chr7:100,807,385, plus strand): 5'-GCCCTAAGAAGCTCACACCCAGTATTACCCCCAGCATTACCAGGGAGCTCGTGTAGGTGG[G>A]ATCGGAAGAGTTCTCCTCCAGGAATCGGGAAAGGCCAAAGTCAGACACTTTGCAGACGAG-3'
Protein context (NP_004435.3, residues 762-782): SRFLEENSSD[Pro772Ser]TYTSSLGGKI